The following is an entry in ClinVar:

NM_005618.4(DLL1):c.1475A>G (p.Asn492Ser)

Gene: DLL1 (delta like canonical Notch ligand 1; minus strand). Cytogenetic location: 6q27.
Variant type: single nucleotide variant.
Coding change: c.1475A>G on transcript NM_005618.4 (MANE Select); coding-DNA position 1475, A replaced by G.
Protein change: p.Asn492Ser; replaces asparagine 492 with serine.
Molecular consequence: missense variant.
Genome position (GRCh38, 1-based): chr6:170,283,804, T>C on the plus strand (A>G on the coding strand, the complement: DLL1 is on the minus strand). VCF-style: chr6-170283804-T-C. GRCh37 (hg19) VCF-style: chr6-170592892-T-C.
Other names: short protein forms N492S.
Identifiers: ClinVar variation 2580017 (VCV002580017.1), dbSNP rs1182662235, ClinGen allele CA366507183.
Genomic context (GRCh38, chr6:170,283,804, plus strand): 5'-CCGTAGCCTCGGGCACACTCGCACACATAGCGGTGGCCCCTCTCGTGGCAGGTGGCCCCA[T>C]TGTGGCAGGGTGCGTGCTCGCACCTGCTGACGGGGGCACTGCAGTTCCTGCCCGTGTAGC-3'
Protein context (NP_005609.3, residues 482-502): VSRCEHAPCH[Asn492Ser]GATCHERGHR

ClinVar aggregate classification (germline): Uncertain significance (1 of 4 stars; one submission).

Allele frequency attached by ClinVar (database versions not stated): gnomAD exomes below 0.00001.
gnomAD v4.1: 4 of 1,598,282 alleles (0.00025%); highest among the groups gnomAD compares: South Asian, 0.0011%; no homozygotes.

Submission:

GeneDx
Classification: Uncertain significance. Last evaluated: 2023-03-14. Review status: criteria provided, single submitter. Criteria: GeneDx Variant Classification Process June 2021. Collection method: clinical testing. Allele origin: germline. Affected: yes.
Comment: Not observed at significant frequency in large population cohorts (gnomAD); In silico analysis supports that this missense variant has a deleterious effect on protein structure/function; Has not been previously published as pathogenic or benign to our knowledge